The following is an entry in ClinVar:

ClinVar aggregate classification (germline): Uncertain significance (1 of 4 stars; one submission).

Allele frequency attached by ClinVar (database versions not stated): gnomAD 0.00001.
gnomAD v4.1: 1 of 1,613,846 alleles (0.000062%); highest among the groups gnomAD compares: African/African-American, 0.0013%; no homozygotes.

Submission:

Labcorp Genetics (formerly Invitae), Labcorp
Classification: Uncertain significance. Last evaluated: 2022-06-23. Review status: criteria provided, single submitter. Criteria: Invitae Variant Classification Sherloc (09022015). Collection method: clinical testing. Allele origin: germline.
Comment: The COL18A1 gene has multiple clinically relevant transcripts. This variant occurs in alternate transcript NM_030582.4 and corresponds to NM_130445.3:c.107-12624T>C in the primary transcript. This sequence change replaces tryptophan, which is neutral and slightly polar, with arginine, which is basic and polar, at codon 30 of the COL18A1 protein (p.Trp30Arg). This variant is not present in population databases (gnomAD no frequency). This variant has not been reported in the literature in individuals affected with COL18A1-related conditions. Experimental studies and prediction algorithms are not available or were not evaluated, and the functional significance of this variant is currently unknown. In summary, the available evidence is currently insufficient to determine the role of this variant in disease. Therefore, it has been classified as a Variant of Uncertain Significance.

NM_001379500.1(COL18A1):c.107-12624T>C

Gene: COL18A1 (collagen type XVIII alpha 1 chain; plus strand). Cytogenetic location: 21q22.3.
Variant type: single nucleotide variant.
Coding change: c.107-12624T>C on transcript NM_001379500.1 (MANE Select); 12624 bases into the intron before coding-DNA position 107, T replaced by C.
Molecular consequence: intron variant. On other transcripts: missense variant (2).
Genome position (GRCh38, 1-based): chr21:45,455,618, T>C. VCF-style: chr21-45455618-T-C. GRCh37 (hg19) VCF-style: chr21-46875532-T-C.
Other names: c.88T>C, p.Trp30Arg (NM_030582.4, NM_130444.3); short protein forms W30R.
Identifiers: ClinVar variation 1434971 (VCV001434971.5), dbSNP rs2034772658, ClinGen allele CA410505102.
Genomic context (GRCh38, chr21:45,455,618, plus strand): 5'-ATCCTGCTGCTGCTCTTCTGCTGCCTGGCGGCTGCCCGGGCCAACCTGCTGAACCTGAAC[T>C]GGCTTTGGTTCAATAATGAGGACACCAGCCATGCAGCTACCACGATCCCTGAGCCCCAGG-3'